The following is an entry in ClinVar:

NM_003106.4(SOX2):c.389G>C (p.Gly130Ala)

Genes: SOX2 (SRY-box transcription factor 2; plus strand), SOX2-OT (SOX2 overlapping transcript; plus strand), LOC108281177 (SOX2 5' regulatory region; plus strand). Cytogenetic location: 3q26.33.
Variant type: single nucleotide variant.
Coding change: c.389G>C on transcript NM_003106.4 (MANE Select); coding-DNA position 389, G replaced by C.
Protein change: p.Gly130Ala; replaces glycine 130 with alanine.
Molecular consequence: missense variant.
Genome position (GRCh38, 1-based): chr3:181,712,749, G>C. VCF-style: chr3-181712749-G-C. GRCh37 (hg19) VCF-style: chr3-181430537-G-C.
Other names: short protein forms G130A.
Identifiers: ClinVar variation 12825 (VCV000012825.6), dbSNP rs121918652, ClinGen allele CA122728.

ClinVar aggregate classification (germline): Conflicting classifications of pathogenicity. Review status: criteria provided, conflicting classifications (1 of 4 stars). 4 submissions from 4 submitters: Pathogenic (1); Likely pathogenic (1); Uncertain significance (1). 1 of the submissions does not count toward it. Last evaluated 2020-07-21.

Conditions:
Anophthalmia/microphthalmia-esophageal atresia syndrome (MCOPS3). Also called: MICROPHTHALMIA AND ESOPHAGEAL ATRESIA SYNDROME; SOX2 Disorder; AEG SYNDROME. Identifiers: Orphanet 77298, MedGen C1859773, MONDO:0008799, OMIM 206900.
OPTIC NERVE HYPOPLASIA AND ABNORMALITIES OF THE CENTRAL NERVOUS SYSTEM. Identifiers: MedGen C1859774, OMIM 206900.

Allele frequency attached by ClinVar (database versions not stated): gnomAD below 0.00001 and 0.00002; gnomAD exomes 0.00002 and 0.00007; ExAC 0.00010; 1000 Genomes Project 30x 0.00016; 1000 Genomes Project 0.00020.

Submissions (4):

Genetics and Genomic Medicine Centre, NeuroGen Healthcare, NeuroGen Healthcare
Classification: Pathogenic for Anophthalmia/microphthalmia-esophageal atresia syndrome. Last evaluated: 2020-07-21. Review status: criteria provided, single submitter. Criteria: Submitter's publication. Collection method: clinical testing. Allele origin: unknown. Affected: no.

Lifecell International Pvt. Ltd
Classification: Likely pathogenic for Anophthalmia/microphthalmia-esophageal atresia syndrome. Review status: criteria provided, single submitter. Criteria: ACMG Guidelines, 2015. Collection method: clinical testing. Allele origin: germline. Inheritance: Autosomal dominant inheritance. Affected: yes. Observed: 1 heterozygote.
Comment: A Heterozygous Missense variant c.389G>C in Exon 1 of the SOX2 gene that results in the amino acid substitution p.Gly130Ala was identified. The observed variant has a minor allele frequency of 0.00007% in gnomAD exomes, respectively. The severity of the impact of this variant on the protein is medium, based on the effect of the protein and REVEL score . Rare Exome Variant Ensemble Learner (REVEL) is an ensembl method for predicting the pathogenicity of missense variants based on a combination of scores from 13 individual tools: MutPred, FATHMM v2.3, VEST 3.0, PolyPhen-2, SIFT, PROVEAN, MutationAssessor, MutationTaster, LRT, GERP++, SiPhy, phyloP, and phastCons. The REVEL score for an individual missense variant can range from 0 to 1, with higher scores reflecting greater likelihood that the variant is disease-causing. ClinVar has also classified this variant as Pathogenic(Variant ID 12825). This variant has been previously observed in Kelberman D et al., 2006. Based on the above evidence this variant has been classified as Likely Pathogenic according to the ACMG guidelines.

Neuberg Centre For Genomic Medicine, NCGM
Classification: Uncertain significance for Anophthalmia/microphthalmia-esophageal atresia syndrome. Review status: criteria provided, single submitter. Criteria: ACMG Guidelines, 2015. Collection method: clinical testing. Allele origin: germline. Inheritance: Autosomal dominant inheritance. Affected: yes.
Comment: The observed missense c.389G>C(p.Gly130Ala) variant in SOX2 gene has been reported in heterozygous state in individual(s) affected with SOX2 related disorder (Kelberman D, et. al., 2006). This variant is present with an allele frequency of 0.007% in gnomAD Exomes database. This variant has been submitted to the ClinVar database as Pathogenic/ Likely Pathogenic. Computational evidence (Polyphen - Benign, SIFT - Tolerated and MutationTaster -Disease causing) predicts conflicting evidence on protein structure and function for this variant. The reference amino acid in SOX2 is predicted as conserved by GERP++ and PhyloP across 100 vertebrates. The amino acid Gly at position 130 is changed to a Ala changing protein sequence and it might alter its composition and physico-chemical properties. Additional functional studies will be required to prove the pathogenicity of this variant. For these reasons, this variant has been classified as Uncertain Significance (VUS).

OMIM
Classification: Pathogenic for OPTIC NERVE HYPOPLASIA AND ABNORMALITIES OF THE CENTRAL NERVOUS SYSTEM. Last evaluated: 2006-09-01. Review status: no assertion criteria provided. Collection method: literature only. Allele origin: germline. Not counted in ClinVar's aggregate classification.

Literature cited by the submitters: PubMed 16932809 (cited by Lifecell International Pvt. Ltd and OMIM).